The following is an entry in ClinVar:

ClinVar aggregate classification (germline): Likely pathogenic (1 of 4 stars; one submission).

Submission:

Labcorp Genetics (formerly Invitae), Labcorp
Classification: Likely pathogenic. Last evaluated: 2021-11-30. Review status: criteria provided, single submitter. Criteria: Invitae Variant Classification Sherloc (09022015). Collection method: clinical testing. Allele origin: germline.
Comment: In summary, the currently available evidence indicates that the variant is pathogenic, but additional data are needed to prove that conclusively. Therefore, this variant has been classified as Likely Pathogenic. This variant has not been reported in the literature in individuals affected with VPS13A-related conditions. This variant results in a copy number gain of the genomic region encompassing exon(s) 70-71 of the VPS13A gene. While the exact position of this variant cannot be determined from the data, sub-genic copy number gains are generally in tandem (PMID: 25640679). This variant is predicted to be out-of-frame, and may result in an absent or disrupted protein product. Loss-of-function variants in VPS13A are known to be pathogenic (PMID: 12404112, 21598378).

Literature cited by the submitters: PubMed 25640679; PubMed 12404112; PubMed 21598378.

NC_000009.11:g.(?_80020770)_(80022533_?)dup

Gene: VPS13A (vacuolar protein sorting 13 homolog A; plus strand). Cytogenetic location: 9q21.2.
Variant type: Duplication.
Identifiers: ClinVar variation 2427132 (VCV002427132.4).